The following is an entry in ClinVar:

ClinVar aggregate classification (germline): Pathogenic (1 of 4 stars; one submission).

Submission:

Labcorp Genetics (formerly Invitae), Labcorp
Classification: Pathogenic. Last evaluated: 2023-07-29. Review status: criteria provided, single submitter. Criteria: Invitae Variant Classification Sherloc (09022015). Collection method: clinical testing. Allele origin: germline.
Comment: This sequence change creates a premature translational stop signal (p.Val737Glyfs*2) in the CAD gene. It is expected to result in an absent or disrupted protein product. Loss-of-function variants in CAD are known to be pathogenic (PMID: 28007989, 32117025, 32820246, 33497533). This variant is not present in population databases (gnomAD no frequency). This variant has not been reported in the literature in individuals affected with CAD-related conditions. Algorithms developed to predict the effect of sequence changes on RNA splicing suggest that this variant may disrupt the consensus splice site. For these reasons, this variant has been classified as Pathogenic.

Literature cited by the submitters: PubMed 28007989; PubMed 32117025; PubMed 32820246; PubMed 33497533.

NM_004341.5(CAD):c.2210del (p.Val737fs)

Gene: CAD (carbamoyl-phosphate synthetase 2, aspartate transcarbamylase, and dihydroorotase; plus strand). Cytogenetic location: 2p23.3.
Variant type: Deletion.
Coding change: c.2210del on transcript NM_004341.5 (MANE Select); coding-DNA position 2210, one base deleted (T; older notation c.2210delT).
Protein change: p.Val737fs; shifts the reading frame from valine 737.
Molecular consequence: frameshift variant.
Genome position (GRCh38, 1-based): chr2:27,226,885, T deleted. VCF-style (leftmost placement, unchanged base first): chr2-27226884-GT-G. GRCh37 (hg19) VCF-style: chr2-27449752-GT-G.
Other names: c.2021del, p.Val674fs (NM_001306079.2); short protein forms V737fs, V674fs.
Identifiers: ClinVar variation 2748307 (VCV002748307.3), dbSNP rs2465307163, ClinGen allele CA2697547905.
Genomic context (GRCh38, chr2:27,226,884, plus strand): 5'-GACCCCAGGAACTCTGTGACAGGGGGTACAGCAGCCTTTGAACCCAGCGTGGATTATTGT[GT>G]GGTGAAGATTCCTCGATGGGACCTTAGCAAGTTCCTGCGAGTCAGCACAAAGATTGGGAG-3'